The following is an entry in ClinVar:

ClinVar aggregate classification (germline): Uncertain significance (1 of 4 stars; one submission).

Allele frequency attached by ClinVar (database versions not stated): TOPMed below 0.00001.
gnomAD v4.1: 24 of 1,600,046 alleles (0.0015%); highest among the groups gnomAD compares: Non-Finnish European, 0.002%; no homozygotes.

Submission:

Labcorp Genetics (formerly Invitae), Labcorp
Classification: Uncertain significance. Last evaluated: 2022-03-28. Review status: criteria provided, single submitter. Criteria: Invitae Variant Classification Sherloc (09022015). Collection method: clinical testing. Allele origin: germline.
Comment: This sequence change affects codon 207 of the MEOX1 mRNA. It is a 'silent' change, meaning that it does not change the encoded amino acid sequence of the MEOX1 protein. The frequency data for this variant in the population databases is considered unreliable, as metrics indicate poor data quality at this position in the gnomAD database. This variant has not been reported in the literature in individuals affected with MEOX1-related conditions. Algorithms developed to predict the effect of sequence changes on RNA splicing suggest that this variant may disrupt the consensus splice site. In summary, the available evidence is currently insufficient to determine the role of this variant in disease. Therefore, it has been classified as a Variant of Uncertain Significance.

NM_004527.4(MEOX1):c.621C>T (p.Asn207=)

Gene: MEOX1 (mesenchyme homeobox 1; minus strand). Cytogenetic location: 17q21.31.
Variant type: single nucleotide variant.
Coding change: c.621C>T on transcript NM_004527.4 (MANE Select); coding-DNA position 621, C replaced by T.
Protein change: p.Asn207=; no amino-acid change (asparagine 207 retained).
Molecular consequence: synonymous variant. On other transcripts: intron variant (1).
Genome position (GRCh38, 1-based): chr17:43,643,509, G>A on the plus strand (C>T on the coding strand, the complement: MEOX1 is on the minus strand). VCF-style: chr17-43643509-G-A. GRCh37 (hg19) VCF-style: chr17-41720877-G-A.
Other names: c.276C>T, p.Asn92= (NM_001040002.2); c.470-1477C>T (NM_013999.4).
Identifiers: ClinVar variation 1916856 (VCV001916856.2), dbSNP rs754113524, ClinGen allele CA291671197.